The following is an entry in ClinVar:

NM_000059.4(BRCA2):c.4117A>T (p.Met1373Leu)

Gene: BRCA2 (BRCA2 DNA repair associated; plus strand). Cytogenetic location: 13q13.1.
Variant type: single nucleotide variant.
Coding change: c.4117A>T on transcript NM_000059.4 (MANE Select); coding-DNA position 4117, A replaced by T.
Protein change: p.Met1373Leu; replaces methionine 1373 with leucine.
Molecular consequence: missense variant.
Genome position (GRCh38, 1-based): chr13:32,338,472, A>T. VCF-style: chr13-32338472-A-T. GRCh37 (hg19) VCF-style: chr13-32912609-A-T.
Other names: short protein forms M1373L.
Identifiers: ClinVar variation 1014828 (VCV001014828.10), dbSNP rs781119815, ClinGen allele CA387779315.

ClinVar aggregate classification (germline): Conflicting classifications of pathogenicity. Review status: criteria provided, conflicting classifications (1 of 4 stars). 2 submissions from 2 submitters: Uncertain significance (1); Likely benign (1). Last evaluated 2023-03-23.

Conditions:
Hereditary cancer-predisposing syndrome. Also called: Hereditary Cancer Syndrome; Tumor predisposition; Neoplastic Syndromes, Hereditary; Hereditary neoplastic syndrome. Identifiers: Orphanet 140162, MedGen C0027672, MeSH D009386, MONDO:0015356.
Hereditary breast ovarian cancer syndrome. Also called: Hereditary breast and ovarian cancer syndrome (HBOC); Hereditary breast and/or ovarian cancer syndrome; BRCA1- and BRCA2-Associated Hereditary Breast and Ovarian Cancer; Hereditary breast and ovarian cancer syndrome; Hereditary breast and ovarian cancer; Breast and ovarian cancer. Identifiers: Orphanet 145, MedGen C0677776, MeSH D061325, MONDO:0003582. Disease mechanism: loss of function.

Submissions (2):

University of Washington Department of Laboratory Medicine, University of Washington
Classification: Likely benign for Hereditary cancer-predisposing syndrome. Last evaluated: 2023-03-23. Review status: criteria provided, single submitter. Criteria: Dines et al. (Genet Med. 2020). Collection method: curation. Allele origin: germline.
Comment: Missense variant in a coldspot region where missense variants are very unlikely to be pathogenic (PMID:31911673).

BRCA2 exon 11 coldspot. Reclassification based on statistical prior probability.

Labcorp Genetics (formerly Invitae), Labcorp
Classification: Uncertain significance for Hereditary breast ovarian cancer syndrome. Last evaluated: 2022-10-13. Review status: criteria provided, single submitter. Criteria: Invitae Variant Classification Sherloc (09022015). Collection method: clinical testing. Allele origin: germline.
Comment: In summary, the available evidence is currently insufficient to determine the role of this variant in disease. Therefore, it has been classified as a Variant of Uncertain Significance. Advanced modeling of protein sequence and biophysical properties (such as structural, functional, and spatial information, amino acid conservation, physicochemical variation, residue mobility, and thermodynamic stability) performed at Invitae indicates that this missense variant is not expected to disrupt BRCA2 protein function. ClinVar contains an entry for this variant (Variation ID: 1014828). This variant has not been reported in the literature in individuals affected with BRCA2-related conditions. This variant is not present in population databases (gnomAD no frequency). This sequence change replaces methionine, which is neutral and non-polar, with leucine, which is neutral and non-polar, at codon 1373 of the BRCA2 protein (p.Met1373Leu).